The following is an entry in ClinVar:

ClinVar aggregate classification (germline): Uncertain significance (1 of 4 stars; one submission).

Conditions:
Granulomatous disease, chronic, autosomal recessive, cytochrome b-positive, type 2. Also called: GRANULOMATOUS DISEASE, CHRONIC, AUTOSOMAL RECESSIVE, 2; Chronic granulomatous disease due to deficiency of NCF-2; Chronic Granulomatous Disease, Autosomal Recessive, Cytochrome b-Positive, Type II; GRANULOMATOUS DISEASE, CHRONIC, DUE TO NCF2 DEFICIENCY; CGD, AUTOSOMAL RECESSIVE CYTOCHROME b-POSITIVE, TYPE II. Identifiers: Orphanet 379, MedGen C1856245, MONDO:0009310, OMIM 233710.

gnomAD v4.1: 15 of 1,613,186 alleles (0.00093%); highest among the groups gnomAD compares: East Asian, 0.0067%; no homozygotes.

Submission:

Labcorp Genetics (formerly Invitae), Labcorp
Classification: Uncertain significance for Granulomatous disease, chronic, autosomal recessive, cytochrome b-positive, type 2. Last evaluated: 2024-05-24. Review status: criteria provided, single submitter. Criteria: Invitae Variant Classification Sherloc (09022015). Collection method: clinical testing. Allele origin: germline.
Comment: This sequence change replaces aspartic acid, which is acidic and polar, with asparagine, which is neutral and polar, at codon 316 of the NCF2 protein (p.Asp316Asn). This variant is present in population databases (rs778521448, gnomAD 0.005%). This variant has not been reported in the literature in individuals affected with NCF2-related conditions. Advanced modeling of protein sequence and biophysical properties (such as structural, functional, and spatial information, amino acid conservation, physicochemical variation, residue mobility, and thermodynamic stability) performed at Invitae indicates that this missense variant is not expected to disrupt NCF2 protein function with a negative predictive value of 80%. In summary, the available evidence is currently insufficient to determine the role of this variant in disease. Therefore, it has been classified as a Variant of Uncertain Significance.

NM_000433.4(NCF2):c.946G>A (p.Asp316Asn)

Gene: NCF2 (neutrophil cytosolic factor 2; minus strand). Cytogenetic location: 1q25.3.
Variant type: single nucleotide variant.
Coding change: c.946G>A on transcript NM_000433.4 (MANE Select); coding-DNA position 946, G replaced by A.
Protein change: p.Asp316Asn; replaces aspartic acid 316 with asparagine.
Molecular consequence: missense variant.
Genome position (GRCh38, 1-based): chr1:183,565,758, C>T on the plus strand (G>A on the coding strand, the complement: NCF2 is on the minus strand). VCF-style: chr1-183565758-C-T. GRCh37 (hg19) VCF-style: chr1-183534893-C-T.
Other names: c.946G>A, p.Asp316Asn (NM_001127651.3); c.703G>A, p.Asp235Asn (NM_001190789.2); c.811G>A, p.Asp271Asn (NM_001190794.2); c.838G>A, p.Asp280Asn (NM_001410895.1); short protein forms D271N, D316N, D235N, D280N.
Identifiers: ClinVar variation 3689527 (VCV003689527.1).